The following is an entry in ClinVar:

ClinVar aggregate classification (germline): Uncertain significance (1 of 4 stars; one submission).

Submission:

Labcorp Genetics (formerly Invitae), Labcorp
Classification: Uncertain significance. Last evaluated: 2022-01-06. Review status: criteria provided, single submitter. Criteria: Invitae Variant Classification Sherloc (09022015). Collection method: clinical testing. Allele origin: germline.
Comment: Experimental studies and prediction algorithms are not available or were not evaluated, and the functional significance of this variant is currently unknown. This variant has not been reported in the literature in individuals affected with P3H2-related conditions. This variant is not present in population databases (gnomAD no frequency). This variant, c.23_40del, results in the deletion of 6 amino acid(s) of the P3H2 protein (p.Pro8_Leu13del), but otherwise preserves the integrity of the reading frame. In summary, the available evidence is currently insufficient to determine the role of this variant in disease. Therefore, it has been classified as a Variant of Uncertain Significance.

NM_018192.4(P3H2):c.23_40del (p.Pro8_Leu13del)

Genes: P3H2 (prolyl 3-hydroxylase 2; minus strand), LOC123464484 (Sharpr-MPRA regulatory region 10063; plus strand). Cytogenetic location: 3q28.
Variant type: Deletion.
Coding change: c.23_40del on transcript NM_018192.4 (MANE Select); coding-DNA positions 23 to 40, 18 bases deleted (CGCCGCTGCTGCTGCTGC).
Protein change: p.Pro8_Leu13del.
Molecular consequence: inframe deletion. On other transcripts: intron variant (1).
Genome position (GRCh38, 1-based): chr3:190,120,692-190,120,709, GCAGCAGCAGCAGCGGCG deleted on the plus strand (CGCCGCTGCTGCTGCTGC on the coding strand, the reverse complement: P3H2 is on the minus strand); deleting any 18 consecutive bases within chr3:190,120,692-190,120,711 gives the same sequence; the c. name uses the placement nearest the transcript's 3' end. VCF-style (leftmost placement, unchanged base first): chr3-190120691-AGCAGCAGCAGCAGCGGCG-A. GRCh37 (hg19) VCF-style: chr3-189838480-AGCAGCAGCAGCAGCGGCG-A.
Other names: c.-64+1494_-64+1511del (NM_001134418.2).
Identifiers: ClinVar variation 1487221 (VCV001487221.6), dbSNP rs2108532266, ClinGen allele CA2573136841.
Genomic context (GRCh38, chr3:190,120,691, plus strand): 5'-AGCTCCCGGCGTGGGCTGTCCGGGGGGCCGCCCCACAGTGGCGGCGGCAGTAGCAGCGGC[AGCAGCAGCAGCAGCGGCG>A]GCGCCCAGATGCGCTCCCGCATCCTCCGCCTCAGAGAGGCGCGGGACGGTTACGCTCGAG-3'